The following is an entry in ClinVar:

ClinVar aggregate classification (germline): Uncertain significance (1 of 4 stars; one submission).

Conditions:
Hereditary cancer-predisposing syndrome. Also called: Hereditary Cancer Syndrome; Hereditary neoplastic syndrome; Neoplastic Syndromes, Hereditary; Tumor predisposition. Identifiers: Orphanet 140162, MedGen C0027672, MeSH D009386, MONDO:0015356.

Submission:

Ambry Genetics
Classification: Uncertain significance for Hereditary cancer-predisposing syndrome. Last evaluated: 2025-07-03. Review status: criteria provided, single submitter. Criteria: Ambry Variant Classification Scheme 2023. Collection method: clinical testing. Allele origin: germline.
Comment: The p.L255I variant (also known as c.763C>A), located in coding exon 2 of the HOXB13 gene, results from a C to A substitution at nucleotide position 763. The leucine at codon 255 is replaced by isoleucine, an amino acid with highly similar properties. This amino acid position is conserved. In addition, this alteration is predicted to be deleterious by in silico analysis. Based on the available evidence, the clinical significance of this variant remains unclear.

NM_006361.6(HOXB13):c.763C>A (p.Leu255Ile)

Gene: HOXB13 (homeobox B13; minus strand). Cytogenetic location: 17q21.32.
Variant type: single nucleotide variant.
Coding change: c.763C>A on transcript NM_006361.6 (MANE Select); coding-DNA position 763, C replaced by A.
Protein change: p.Leu255Ile; replaces leucine 255 with isoleucine.
Molecular consequence: missense variant.
Genome position (GRCh38, 1-based): chr17:48,726,882, G>T on the plus strand (C>A on the coding strand, the complement: HOXB13 is on the minus strand). VCF-style: chr17-48726882-G-T. GRCh37 (hg19) VCF-style: chr17-46804244-G-T.
Other names: short protein forms L255I.
Identifiers: ClinVar variation 4271771 (VCV004271771.1).
Genomic context (GRCh38, chr17:48,726,882, plus strand): 5'-GAACCTTCTTCTCTTTGACCCGGCGGTTCTGAAACCAGATGGTAATCTGGCGCTCCGAGA[G>T]GCTGGTGGCTGCCGAGATCTTGCGCCTCTTGTCCTTGGTGATGAACTTGTTAGCCGCATA-3'
Protein context (NP_006352.2, residues 245-265): KRRKISAATS[Leu255Ile]SERQITIWFQ